The following is an entry in ClinVar:

ClinVar aggregate classification (germline): Uncertain significance (1 of 4 stars; one submission).

Conditions:
Inborn genetic diseases. Identifiers: MedGen C0950123, MeSH D030342.

gnomAD v4.1: 6 of 1,614,156 alleles (0.00037%); highest among the groups gnomAD compares: South Asian, 0.0011%; no homozygotes.

Submission:

Ambry Genetics
Classification: Uncertain significance for Inborn genetic diseases. Last evaluated: 2024-06-25. Review status: criteria provided, single submitter. Criteria: Ambry Variant Classification Scheme 2023. Collection method: clinical testing. Allele origin: germline.
Comment: The c.2401G>A (p.A801T) alteration is located in exon 5 (coding exon 3) of the ADNP gene. This alteration results from a G to A substitution at nucleotide position 2401, causing the alanine (A) at amino acid position 801 to be replaced by a threonine (T). This variant was not reported in population-based cohorts in the Genome Aggregation Database (gnomAD). This amino acid position is well conserved in available vertebrate species. This alteration is predicted to be deleterious by in silico analysis. Based on insufficient or conflicting evidence, the clinical significance of this alteration remains unclear.

NM_001282531.3(ADNP):c.2401G>A (p.Ala801Thr)

Gene: ADNP (activity dependent neuroprotector homeobox; minus strand). Cytogenetic location: 20q13.13.
Variant type: single nucleotide variant.
Coding change: c.2401G>A on transcript NM_001282531.3 (MANE Select); coding-DNA position 2401, G replaced by A.
Protein change: p.Ala801Thr; replaces alanine 801 with threonine.
Molecular consequence: missense variant.
Genome position (GRCh38, 1-based): chr20:50,892,313, C>T on the plus strand (G>A on the coding strand, the complement: ADNP is on the minus strand). VCF-style: chr20-50892313-C-T. GRCh37 (hg19) VCF-style: chr20-49508850-C-T.
Other names: c.2401G>A, p.Ala801Thr (NM_001282532.2, NM_001347511.2, NM_015339.5 and 1 more transcripts); short protein forms A801T.
Identifiers: ClinVar variation 3501421 (VCV003501421.1).